The following is an entry in ClinVar:

NM_001384474.1(LOXHD1):c.2572G>T (p.Glu858Ter)

Gene: LOXHD1 (lipoxygenase homology PLAT domains 1; minus strand). Cytogenetic location: 18q21.1.
Variant type: single nucleotide variant.
Coding change: c.2572G>T on transcript NM_001384474.1 (MANE Select); coding-DNA position 2572, G replaced by T.
Protein change: p.Glu858Ter; replaces glutamic acid 858 with a stop codon.
Molecular consequence: nonsense.
Genome position (GRCh38, 1-based): chr18:46,563,091, C>A on the plus strand (G>T on the coding strand, the complement: LOXHD1 is on the minus strand). VCF-style: chr18-46563091-C-A. GRCh37 (hg19) VCF-style: chr18-44143054-C-A.
Other names: c.2572G>T, p.Glu858Ter (NM_144612.7); short protein forms E858*.
Identifiers: ClinVar variation 4070033 (VCV004070033.2).

ClinVar aggregate classification (germline): Likely pathogenic (1 of 4 stars; one submission).

Conditions:
Autosomal recessive nonsyndromic hearing loss 77. Identifiers: Orphanet 90636, MedGen C2746083, MONDO:0013119, OMIM 613079.

Submission:

Natera, Inc.
Classification: Likely pathogenic for Autosomal recessive deafness type 77. Last evaluated: 2025-04-14. Review status: criteria provided, single submitter. Criteria: Natera Variant Classification Schema (03/2026). Collection method: clinical testing. Allele origin: germline.
Comment: The c.2572G>T variant in LOXHD1 is a nonsense variant predicted to introduce a stop codon at amino acid 858. This variant is expected to result in nonsense mediated decay, truncation, or a dysfunctional protein product. This variant is rare in the general population with a frequency below the threshold expected for the associated phenotype(s). Given the available evidence, this variant is classified as Likely Pathogenic.